The following is an entry in ClinVar:

ClinVar aggregate classification (germline): Uncertain significance (1 of 4 stars; one submission).

Allele frequency attached by ClinVar (database versions not stated): gnomAD exomes below 0.00001; gnomAD 0.00001.
gnomAD v4.1: 2 of 1,611,928 alleles (0.00012%); highest among the groups gnomAD compares: African/African-American, 0.0013%; no homozygotes.

Submission:

Labcorp Genetics (formerly Invitae), Labcorp
Classification: Uncertain significance. Last evaluated: 2024-10-15. Review status: criteria provided, single submitter. Criteria: Invitae Variant Classification Sherloc (09022015). Collection method: clinical testing. Allele origin: germline.
Comment: This sequence change replaces isoleucine, which is neutral and non-polar, with threonine, which is neutral and polar, at codon 458 of the SLC12A6 protein (p.Ile458Thr). This variant is not present in population databases (gnomAD no frequency). This variant has not been reported in the literature in individuals affected with SLC12A6-related conditions. Invitae Evidence Modeling of protein sequence and biophysical properties (such as structural, functional, and spatial information, amino acid conservation, physicochemical variation, residue mobility, and thermodynamic stability) indicates that this missense variant is not expected to disrupt SLC12A6 protein function with a negative predictive value of 80%. In summary, the available evidence is currently insufficient to determine the role of this variant in disease. Therefore, it has been classified as a Variant of Uncertain Significance.

NM_001365088.1(SLC12A6):c.1373T>C (p.Ile458Thr)

Gene: SLC12A6 (solute carrier family 12 member 6; minus strand). Cytogenetic location: 15q14.
Variant type: single nucleotide variant.
Coding change: c.1373T>C on transcript NM_001365088.1 (MANE Select); coding-DNA position 1373, T replaced by C.
Protein change: p.Ile458Thr; replaces isoleucine 458 with threonine.
Molecular consequence: missense variant.
Genome position (GRCh38, 1-based): chr15:34,251,018, A>G on the plus strand (T>C on the coding strand, the complement: SLC12A6 is on the minus strand). VCF-style: chr15-34251018-A-G. GRCh37 (hg19) VCF-style: chr15-34543219-A-G.
Other names: c.1196T>C, p.Ile399Thr (NM_001042494.2, NM_001042495.2); c.1346T>C, p.Ile449Thr (NM_001042496.2); c.1328T>C, p.Ile443Thr (NM_001042497.2); c.1220T>C, p.Ile407Thr (NM_005135.2); c.1373T>C, p.Ile458Thr (NM_133647.2); short protein forms I458T, I449T, I399T, I407T, I443T.
Identifiers: ClinVar variation 2975120 (VCV002975120.3), dbSNP rs1892351398, ClinGen allele CA391606339.
Genomic context (GRCh38, chr15:34,251,018, plus strand): 5'-AGAACATATTCATGGTTTAAGCTGCCTAAGACATCAGAAGATTTGGCTGAAGGCTTTTCG[A>G]TGATCTCTCCCTTGGGTAGGTAATTACTCCAAAGATTCTCTGCAGTGGGAAAAATGGGAA-3'
Protein context (NP_001352017.1, residues 448-468): WSNYLPKGEI[Ile458Thr]EKPSAKSSDV